The following is an entry in ClinVar:

ClinVar aggregate classification (germline): Likely pathogenic. Review status: criteria provided, multiple submitters, no conflicts (2 of 4 stars). 6 submissions from 6 submitters: Likely pathogenic (6). Last evaluated 2025-12-09.

Conditions:
Hereditary cancer-predisposing syndrome. Also called: Hereditary neoplastic syndrome; Neoplastic Syndromes, Hereditary; Tumor predisposition; Hereditary Cancer Syndrome. Identifiers: Orphanet 140162, MedGen C0027672, MeSH D009386, MONDO:0015356.
Fanconi anemia complementation group O. Also called: RAD51C-Related Fanconi Anemia. Identifiers: Orphanet 84, MedGen C3150653, MONDO:0013248, OMIM 613390.
Breast-ovarian cancer, familial, susceptibility to, 3. Also called: RAD51C-Related Breast/Ovarian Cancer. Identifiers: Orphanet 145, MedGen C3150659, MONDO:0013253, OMIM 613399.

gnomAD v4.1: 1 of 1,606,440 alleles (0.000062%); highest among the groups gnomAD compares: Non-Finnish European, 0.000085%; no homozygotes.

Submissions (6):

Ambry Genetics
Classification: Likely pathogenic for Hereditary cancer-predisposing syndrome. Last evaluated: 2025-12-09. Review status: criteria provided, single submitter. Criteria: Ambry Variant Classification Scheme 2023. Collection method: clinical testing. Allele origin: germline.
Comment: The c.904+1G>T intronic variant results from a G to T substitution one nucleotide after coding exon 6 of the RAD51C gene. This nucleotide position is highly conserved in available vertebrate species. In silico splice site analysis predicts that this alteration will weaken the native splice donor site. Alterations that disrupt the canonical splice site are expected to cause aberrant splicing, resulting in an abnormal protein or a transcript that is subject to nonsense-mediated mRNA decay. As such, this alteration is classified as likely pathogenic.

Myriad Genetics, Inc.
Classification: Likely pathogenic for Breast-ovarian cancer, familial, susceptibility to, 3. Last evaluated: 2024-01-03. Review status: criteria provided, single submitter. Criteria: Myriad Autosomal Dominant, Autosomal Recessive and X-Linked Classification Criteria (2023). Collection method: clinical testing. Allele origin: unknown.
Comment: This variant is considered likely pathogenic. This variant occurs within a consensus splice junction and is predicted to result in abnormal mRNA splicing of either an out-of-frame exon or an in-frame exon necessary for protein stability and/or normal function.

Baylor Genetics
Classification: Likely pathogenic for Breast-ovarian cancer, familial, susceptibility to, 3. Last evaluated: 2022-06-16. Review status: criteria provided, single submitter. Criteria: ACMG Guidelines, 2015. Collection method: clinical testing. Allele origin: unknown.

Labcorp Genetics (formerly Invitae), Labcorp
Classification: Likely pathogenic for Fanconi anemia complementation group O. Last evaluated: 2021-07-07. Review status: criteria provided, single submitter. Criteria: Invitae Variant Classification Sherloc (09022015). Collection method: clinical testing. Allele origin: germline.
Comment: This sequence change affects a donor splice site in intron 6 of the RAD51C gene. It is expected to disrupt RNA splicing and likely results in an absent or disrupted protein product. In summary, the currently available evidence indicates that the variant is pathogenic, but additional data are needed to prove that conclusively. Therefore, this variant has been classified as Likely Pathogenic. Donor and acceptor splice site variants typically lead to a loss of protein function (PMID: 16199547), and loss-of-function variants in RAD51C are known to be pathogenic (PMID: 20400964, 21990120, 24800917). Algorithms developed to predict the effect of sequence changes on RNA splicing suggest that this variant may disrupt the consensus splice site, but this prediction has not been confirmed by published transcriptional studies. This variant has not been reported in the literature in individuals with RAD51C-related conditions. ClinVar contains an entry for this variant (Variation ID: 480510). This variant is not present in population databases (ExAC no frequency).

Sema4
Classification: Likely pathogenic for Hereditary cancer-predisposing syndrome. Last evaluated: 2021-02-22. Review status: criteria provided, single submitter. Criteria: Sema4 Curation Guidelines. Collection method: curation. Allele origin: germline.
Comment: The RAD51C c.904+1G>T variant has not been reported in the literature to our knowledge. This variant is predicted to destroy the canonical splice site leading to an abnormal or absent protein. This variant is not reported in the population database Genome Aggregation Database (PMID: 32461654). Based on the current evidence available, this variant is interpreted as likely pathogenic.

Quest Diagnostics Nichols Institute San Juan Capistrano
Classification: Likely pathogenic. Last evaluated: 2018-11-21. Review status: criteria provided, single submitter. Criteria: Quest Diagnostics criteria. Collection method: clinical testing. Allele origin: germline.
Comment: The variant disrupts a canonical splice site, and is therefore predicted to result in the loss of a functional protein. Not found in the total gnomAD dataset, and the data is high quality (0/276968 chr).

Literature cited by the submitters: PubMed 16199547 (cited by Labcorp Genetics (formerly Invitae), Labcorp); PubMed 20400964 (cited by Labcorp Genetics (formerly Invitae), Labcorp); PubMed 21990120 (cited by Labcorp Genetics (formerly Invitae), Labcorp); PubMed 24800917 (cited by Labcorp Genetics (formerly Invitae), Labcorp).

NM_058216.3(RAD51C):c.904+1G>T

Gene: RAD51C (RAD51 paralog C; plus strand). Cytogenetic location: 17q22.
Variant type: single nucleotide variant.
Coding change: c.904+1G>T on transcript NM_058216.3 (MANE Select); the canonical splice donor site of the intron after coding-DNA position 904, G replaced by T.
Molecular consequence: splice donor variant.
Genome position (GRCh38, 1-based): chr17:58,720,813, G>T. VCF-style: chr17-58720813-G-T. GRCh37 (hg19) VCF-style: chr17-56798174-G-T.
Identifiers: ClinVar variation 480510 (VCV000480510.18), dbSNP rs1555602159, ClinGen allele CA400359845.
Genomic context (GRCh38, chr17:58,720,813, plus strand): 5'-TAACCAATCAGATGACAACAAAGATTGATAGAAATCAGGCCTTGCTTGTTCCTGCATTAG[G>T]TGGGTAATTAATCAGATAAACATTTTAGTTTATCACAGTTTTTCTTATCTCTTTCATTTG-3'